The following is an entry in ClinVar:

NM_000310.4(PPT1):c.40C>T (p.Leu14Phe)

Gene: PPT1 (palmitoyl-protein thioesterase 1; minus strand). Cytogenetic location: 1p34.2.
Variant type: single nucleotide variant.
Coding change: c.40C>T on transcript NM_000310.4 (MANE Select); coding-DNA position 40, C replaced by T.
Protein change: p.Leu14Phe; replaces leucine 14 with phenylalanine.
Molecular consequence: missense variant.
Genome position (GRCh38, 1-based): chr1:40,097,199, G>A on the plus strand (C>T on the coding strand, the complement: PPT1 is on the minus strand). VCF-style: chr1-40097199-G-A. GRCh37 (hg19) VCF-style: chr1-40562871-G-A.
Other names: c.40C>T, p.Leu14Phe (NM_001142604.2, NM_001363695.2); short protein forms L14F.
Identifiers: ClinVar variation 838790 (VCV000838790.4), dbSNP rs550492793, ClinGen allele CA789854.
Genomic context (GRCh38, chr1:40,097,199, plus strand): 5'-GCAGCGGCGCCGGCGGGTCCAGATGCTGCAGCGCCCGAGAAGCGCAGGTCCATGGCAGGA[G>A]AGCCACAGCCAAGAGCCACAGGCAGCCGGGCGACGCCATCTTCGCTGTGTCACATGACCG-3'
Protein context (NP_000301.1, residues 4-24): PGCLWLLAVA[Leu14Phe]LPWTCASRAL

ClinVar aggregate classification (germline): Uncertain significance. Review status: criteria provided, multiple submitters, no conflicts (2 of 4 stars). 2 submissions from 2 submitters: Uncertain significance (2). Last evaluated 2022-07-12.

Conditions:
Neuronal ceroid lipofuscinosis 1 (CLN1). Also called: CEROID LIPOFUSCINOSIS, NEURONAL, 1, VARIABLE AGE AT ONSET; PPT1-Related Neuronal Ceroid-Lipofuscinosis. Identifiers: Orphanet 228329, MedGen C1850451, MONDO:0009744, OMIM 256730.

Allele frequency attached by ClinVar (database versions not stated): ExAC 0.00001; gnomAD 0.00001; gnomAD exomes 0.00001 and below 0.00001; TOPMed 0.00001; 1000 Genomes Project 0.00040; 1000 Genomes Project 30x 0.00047.
gnomAD v4.1: 7 of 1,614,082 alleles (0.00043%); highest among the groups gnomAD compares: East Asian, 0.0045%; no homozygotes.

Submissions (2):

Labcorp Genetics (formerly Invitae), Labcorp
Classification: Uncertain significance for Neuronal ceroid lipofuscinosis 1. Last evaluated: 2022-07-12. Review status: criteria provided, single submitter. Criteria: Invitae Variant Classification Sherloc (09022015). Collection method: clinical testing. Allele origin: germline.
Comment: This sequence change replaces leucine, which is neutral and non-polar, with phenylalanine, which is neutral and non-polar, at codon 14 of the PPT1 protein (p.Leu14Phe). This variant is present in population databases (rs550492793, gnomAD 0.003%). This variant has not been reported in the literature in individuals affected with PPT1-related conditions. ClinVar contains an entry for this variant (Variation ID: 838790). Advanced modeling of protein sequence and biophysical properties (such as structural, functional, and spatial information, amino acid conservation, physicochemical variation, residue mobility, and thermodynamic stability) performed at Invitae indicates that this missense variant is not expected to disrupt PPT1 protein function. In summary, the available evidence is currently insufficient to determine the role of this variant in disease. Therefore, it has been classified as a Variant of Uncertain Significance.

Blueprint Genetics
Classification: Uncertain significance. Last evaluated: 2020-01-28. Review status: criteria provided, single submitter. Criteria: ACMG Guidelines, 2015. Collection method: clinical testing. Allele origin: germline.